The following is an entry in ClinVar:

NM_014254.3(RXYLT1):c.1105del (p.His369fs)

Genes: RXYLT1 (ribitol xylosyltransferase 1; plus strand), RXYLT1-AS1 (RXYLT1 antisense RNA 1; minus strand). Cytogenetic location: 12q14.2.
Variant type: Deletion.
Coding change: c.1105del on transcript NM_014254.3 (MANE Select); coding-DNA position 1105, one base deleted (C; older notation c.1105delC).
Protein change: p.His369fs; shifts the reading frame from histidine 369.
Molecular consequence: frameshift variant. On other transcripts: non-coding transcript variant (1).
Genome position (GRCh38, 1-based): chr12:63,808,865, C deleted; the last of 2 consecutive C bases (chr12:63,808,864-63,808,865); deleting either gives the same sequence. VCF-style (leftmost placement, unchanged base first): chr12-63808863-AC-A. GRCh37 (hg19) VCF-style: chr12-64202643-AC-A.
Other names: c.325del, p.His109fs (NM_001278237.2); c.1105delC (NM_014254.2); short protein forms H109fs, H369fs.
Identifiers: ClinVar variation 571027 (VCV000571027.8), dbSNP rs759632078, ClinGen allele CA6666243.

ClinVar aggregate classification (germline): Uncertain significance. Review status: criteria provided, multiple submitters, no conflicts (2 of 4 stars). 2 submissions from 2 submitters: Uncertain significance (2). Last evaluated 2023-11-01.

Submissions (2):

GeneDx
Classification: Uncertain significance. Last evaluated: 2023-11-01. Review status: criteria provided, single submitter. Criteria: GeneDx Variant Classification Process June 2021. Collection method: clinical testing. Allele origin: germline. Affected: yes.
Comment: Frameshift variant predicted to result in protein truncation as the last 75 amino acids are lost and replaced with 27 incorrect amino acids, although loss-of-function variants have not been reported downstream of this position in the protein; Has not been previously published as pathogenic or benign to our knowledge

Labcorp Genetics (formerly Invitae), Labcorp
Classification: Uncertain significance. Last evaluated: 2020-05-27. Review status: criteria provided, single submitter. Criteria: Invitae Variant Classification Sherloc (09022015). Collection method: clinical testing. Allele origin: germline.
Comment: This sequence change results in a premature translational stop signal in the TMEM5 gene (p.His369Thrfs*28). While this is not anticipated to result in nonsense mediated decay, it is expected to disrupt the last 75 amino acids of the TMEM5 protein. This variant is present in population databases (rs759632078, ExAC 0.1%). This variant has not been reported in the literature in individuals with TMEM5-related disease. In summary, the available evidence is currently insufficient to determine the role of this variant in disease. Therefore, it has been classified as a Variant of Uncertain Significance.